The following is an entry in ClinVar:

NM_015557.3(CHD5):c.5051G>A (p.Gly1684Asp)

Gene: CHD5 (chromodomain helicase DNA binding protein 5; minus strand). Cytogenetic location: 1p36.31.
Variant type: single nucleotide variant.
Coding change: c.5051G>A on transcript NM_015557.3 (MANE Select); coding-DNA position 5051, G replaced by A.
Protein change: p.Gly1684Asp; replaces glycine 1684 with aspartic acid.
Molecular consequence: missense variant.
Genome position (GRCh38, 1-based): chr1:6,112,229, C>T on the plus strand (G>A on the coding strand, the complement: CHD5 is on the minus strand). VCF-style: chr1-6112229-C-T. GRCh37 (hg19) VCF-style: chr1-6172289-C-T.
Other names: short protein forms G1684D.
Identifiers: ClinVar variation 4994307 (VCV004994307.1).

ClinVar aggregate classification (germline): Uncertain significance (1 of 4 stars; one submission).

Conditions:
CHD5-related disorder. Also called: CHD5-related condition.

Submission:

PreventionGenetics, part of Exact Sciences
Classification: Uncertain significance for CHD5-related condition. Last evaluated: 2026-07-14. Review status: criteria provided, single submitter. Criteria: ACMG Guidelines, 2015. Collection method: clinical testing. Allele origin: germline.
Comment: The CHD5 c.5051G>A variant is predicted to result in the amino acid substitution p.Gly1684Asp. To our knowledge, this variant has not been reported in the literature or in a large population database (gnomAD), indicating this variant is rare. At this time, the clinical significance of this variant is uncertain due to the absence of conclusive functional and genetic evidence.